The following is an entry in ClinVar:

NM_000812.4(GABRB1):c.433C>T (p.Pro145Ser)

Gene: GABRB1 (gamma-aminobutyric acid type A receptor subunit beta1; plus strand). Cytogenetic location: 4p12.
Variant type: single nucleotide variant.
Coding change: c.433C>T on transcript NM_000812.4 (MANE Select); coding-DNA position 433, C replaced by T.
Protein change: p.Pro145Ser; replaces proline 145 with serine.
Molecular consequence: missense variant.
Genome position (GRCh38, 1-based): chr4:47,161,441, C>T. VCF-style: chr4-47161441-C-T. GRCh37 (hg19) VCF-style: chr4-47163458-C-T.
Other names: short protein forms P145S.
Identifiers: ClinVar variation 3777512 (VCV003777512.1).

ClinVar aggregate classification (germline): Uncertain significance (1 of 4 stars; one submission).

Submission:

GeneDx
Classification: Uncertain significance. Last evaluated: 2024-10-08. Review status: criteria provided, single submitter. Criteria: GeneDx Variant Classification Process June 2021. Collection method: clinical testing. Allele origin: germline. Affected: yes.
Comment: Not observed at significant frequency in large population cohorts (gnomAD); In silico analysis supports that this missense variant has a deleterious effect on protein structure/function; Has not been previously published as pathogenic or benign to our knowledge